The following is an entry in ClinVar:

NM_173628.4(DNAH17):c.5956A>G (p.Met1986Val)

Genes: DNAH17-AS1 (DNAH17 antisense RNA 1; plus strand), DNAH17 (dynein axonemal heavy chain 17; minus strand). Cytogenetic location: 17q25.3.
Variant type: single nucleotide variant.
Coding change: c.5956A>G on transcript NM_173628.4 (MANE Select); coding-DNA position 5956, A replaced by G.
Protein change: p.Met1986Val; replaces methionine 1986 with valine.
Molecular consequence: missense variant.
Genome position (GRCh38, 1-based): chr17:78,495,045, T>C on the plus strand (A>G on the coding strand, the complement: DNAH17 is on the minus strand). VCF-style: chr17-78495045-T-C. GRCh37 (hg19) VCF-style: chr17-76491127-T-C.
Other names: short protein forms M1986V.
Identifiers: ClinVar variation 402682 (VCV000402682.8), dbSNP rs691652, ClinGen allele CA8802981.
Genomic context (GRCh38, chr17:78,495,045, plus strand): 5'-AGGTGTACAGGGTGATGAACTTCCTGGCCAGAAGGCGGGCTTCCAGAAAGCCCTCGGCCA[T>C]GAGCATGATCTCACATATCAGTTCGAAGTCGGGGACGACCATGGCACAGGGCCTGGGGAG-3'
Protein context (NP_775899.3, residues 1976-1996): DFELICEIML[Met1986Val]AEGFLEARLL

ClinVar aggregate classification (germline): Benign. Review status: criteria provided, multiple submitters, no conflicts (2 of 4 stars). 4 submissions from 4 submitters: Benign (3). 1 of the submissions does not count toward it. Last evaluated 2021-05-04.

Conditions:
DNAH17-related disorder. Also called: DNAH17-related condition.

Allele frequency attached by ClinVar (database versions not stated): gnomAD exomes 0.83414 and 0.86378; ExAC 0.86377; ESP Exome Variant Server 0.86527; gnomAD 0.86865 and 0.87118; TOPMed 0.88096; 1000 Genomes Project 0.93131; 1000 Genomes Project 30x 0.93223.

Submissions (4):

GeneDx
Classification: Benign. Last evaluated: 2021-05-04. Review status: criteria provided, single submitter. Criteria: GeneDx Variant Classification Process June 2021. Collection method: clinical testing. Allele origin: germline. Affected: yes.

Laboratory for Molecular Medicine, Mass General Brigham Personalized Medicine
Classification: Benign. Last evaluated: 2016-03-29. Review status: criteria provided, single submitter. Criteria: LMM Criteria. Collection method: clinical testing. Allele origin: germline.
Comment: Variant identified in a genome or exome case(s) and assessed due to predicted null impact of the variant or pathogenic assertions in the literature or databases. Disclaimer: This variant has not undergone full assessment. The following are preliminary notes: Frequency

Breakthrough Genomics
Classification: Benign. Review status: criteria provided, single submitter. Criteria: ACMG Guidelines, 2015. Collection method: not provided. Allele origin: germline. Inheritance: Autosomal recessive inheritance. Affected: yes.

PreventionGenetics, part of Exact Sciences
Classification: Benign for DNAH17-related condition. Last evaluated: 2019-10-17. Review status: no assertion criteria provided. Collection method: clinical testing. Allele origin: germline. Not counted in ClinVar's aggregate classification.
Comment: This variant is classified as benign based on ACMG/AMP sequence variant interpretation guidelines (Richards et al. 2015 PMID: 25741868, with internal and published modifications).